The following is an entry in ClinVar:

NM_004036.5(ADCY3):c.2358C>T (p.Ala786=)

Gene: ADCY3 (adenylate cyclase 3; minus strand). Cytogenetic location: 2p23.3.
Variant type: single nucleotide variant.
Coding change: c.2358C>T on transcript NM_004036.5 (MANE Select); coding-DNA position 2358, C replaced by T.
Protein change: p.Ala786=; no amino-acid change (alanine 786 retained).
Molecular consequence: synonymous variant. On other transcripts: intron variant (1).
Genome position (GRCh38, 1-based): chr2:24,827,976, G>A on the plus strand (C>T on the coding strand, the complement: ADCY3 is on the minus strand). VCF-style: chr2-24827976-G-A. GRCh37 (hg19) VCF-style: chr2-25050845-G-A.
Other names: c.2358C>T, p.Ala786= (NM_001320613.2, NM_001377132.1); c.2424C>T, p.Ala808= (NM_001377128.1); c.2220C>T, p.Ala740= (NM_001377129.1); c.1635C>T, p.Ala545= (NM_001377131.1); c.2172+2733C>T (NM_001377130.1).
Identifiers: ClinVar variation 3031935 (VCV003031935.2), dbSNP rs779982153, ClinGen allele CA1553799.

ClinVar aggregate classification (germline): Likely benign (0 of 4 stars; one submission).

Conditions:
ADCY3-related disorder. Also called: ADCY3-related condition.

Allele frequency attached by ClinVar (database versions not stated): ExAC 0.00001; gnomAD exomes 0.00001; TOPMed 0.00002; gnomAD 0.00004.
gnomAD v4.1: 29 of 1,614,122 alleles (0.0018%); highest among the groups gnomAD compares: East Asian, 0.024%; no homozygotes.

Submission:

PreventionGenetics, part of Exact Sciences
Classification: Likely benign for ADCY3-related condition. Last evaluated: 2023-11-12. Review status: no assertion criteria provided. Collection method: clinical testing. Allele origin: germline.
Comment: This variant is classified as likely benign based on ACMG/AMP sequence variant interpretation guidelines (Richards et al. 2015 PMID: 25741868, with internal and published modifications).